The following is an entry in ClinVar:

ClinVar aggregate classification (germline): Uncertain significance. Review status: criteria provided, multiple submitters, no conflicts (2 of 4 stars). 4 submissions from 4 submitters: Uncertain significance (4). Last evaluated 2026-09-01.

Conditions:
TTN-related disorder. Also called: TTN-related condition; TTN-related disease; TTN-related disorders.
Autosomal recessive limb-girdle muscular dystrophy type 2J (LGMDR10). Also called: Limb-girdle muscular dystrophy, type 2J; MUSCULAR DYSTROPHY, LIMB-GIRDLE, AUTOSOMAL RECESSIVE 10. Identifiers: Orphanet 140922, MedGen C1837342, MONDO:0012127, OMIM 608807.
Dilated cardiomyopathy 1G (CMD1G). Identifiers: Orphanet 154, MedGen C1858763, MONDO:0011400, OMIM 604145.

Allele frequency attached by ClinVar (database versions not stated): gnomAD exomes below 0.00001; TOPMed below 0.00001; ExAC 0.00002.
gnomAD v4.1: 5 of 1,613,514 alleles (0.00031%); highest among the groups gnomAD compares: South Asian, 0.0022%; no homozygotes.

Submissions (4):

CeGaT Center for Human Genetics Tuebingen
Classification: Uncertain significance. Last evaluated: 2026-09-01. Review status: criteria provided, single submitter. Criteria: CeGaT Center For Human Genetics Tuebingen Variant Classification Criteria Version 2. Collection method: clinical testing. Allele origin: germline. Affected: yes. Observed: 1 variant allele.
Comment: TTN: PM2, PP3

PreventionGenetics, part of Exact Sciences
Classification: Uncertain significance for TTN-related condition. Last evaluated: 2025-10-21. Review status: criteria provided, single submitter. Criteria: ACMG Guidelines, 2015. Collection method: clinical testing. Allele origin: germline.
Comment: The TTN c.81022T>G variant is predicted to result in the amino acid substitution p.Tyr27008Asp. This variant has been reported in a cohort study of individuals with dilated cardiomyopathy (Begay et al. 2015. PubMed ID: 26567375). This variant is reported in 0.0033% of alleles in individuals of South Asian descent in gnomAD. At this time, the clinical significance of this variant is uncertain due to the absence of conclusive functional and genetic evidence.

Women's Health and Genetics/Laboratory Corporation of America, LabCorp
Classification: Uncertain significance. Last evaluated: 2025-09-09. Review status: criteria provided, single submitter. Criteria: LabCorp Variant Classification Summary - May 2015. Collection method: clinical testing. Allele origin: germline.
Comment: Variant summary: TTN c.73318T>G (p.Tyr24440Asp), also reported as p.Tyr27008Asp, results in a non-conservative amino acid change in the encoded protein sequence. Algorithms developed to predict the effect of missense changes on protein structure and function all suggest that this variant is likely to be disruptive. The variant allele was found at a frequency of 4e-06 in 248122 control chromosomes. The available data on variant occurrences in the general population are insufficient to allow any conclusion about variant significance. c.73318T>G has been observed in the presumed compound heterozygous state in at least 1 individual(s) in a cohort with dilated cardiomyopathy, without strong evidence for causality (example, Begay_2015). These report(s) do not provide unequivocal conclusions about association of the variant with TTN-related conditions. To our knowledge, no experimental evidence demonstrating an impact on protein function has been reported. The following publication has been ascertained in the context of this evaluation (PMID: 26567375). ClinVar contains an entry for this variant (Variation ID: 405050). Based on the evidence outlined above, the variant was classified as uncertain significance.

Labcorp Genetics (formerly Invitae), Labcorp
Classification: Uncertain significance for Dilated cardiomyopathy 1G; Autosomal recessive limb-girdle muscular dystrophy type 2J. Last evaluated: 2017-10-23. Review status: criteria provided, single submitter. Criteria: Invitae Variant Classification Sherloc (09022015). Collection method: clinical testing. Allele origin: germline.

Literature cited by the submitters: PubMed 26567375 (cited by Women's Health and Genetics/Laboratory Corporation of America, LabCorp).

NM_001267550.2(TTN):c.81022T>G (p.Tyr27008Asp)

Genes: TTN (titin; minus strand), TTN-AS1 (TTN antisense RNA 1; plus strand). Cytogenetic location: 2q31.2.
Variant type: single nucleotide variant.
Coding change: c.81022T>G on transcript NM_001267550.2 (MANE Select); coding-DNA position 81022, T replaced by G.
Protein change: p.Tyr27008Asp; replaces tyrosine 27008 with aspartic acid.
Molecular consequence: missense variant.
Genome position (GRCh38, 1-based): chr2:178,565,110, A>C on the plus strand (T>G on the coding strand, the complement: TTN is on the minus strand). VCF-style: chr2-178565110-A-C. GRCh37 (hg19) VCF-style: chr2-179429837-A-C.
Other names: c.76099T>G, p.Tyr25367Asp (NM_001256850.1); c.53827T>G, p.Tyr17943Asp (NM_003319.4); c.73318T>G, p.Tyr24440Asp (NM_133378.4); c.54202T>G, p.Tyr18068Asp (NM_133432.3); c.54403T>G, p.Tyr18135Asp (NM_133437.4); short protein forms Y27008D, Y25367D, Y18068D, Y18135D, Y17943D, Y24440D.
Identifiers: ClinVar variation 405050 (VCV000405050.6), dbSNP rs72648211, ClinGen allele CA1989262.